The following is an entry in ClinVar:

ClinVar aggregate classification (germline): Likely pathogenic. Review status: criteria provided, multiple submitters, no conflicts (2 of 4 stars). 2 submissions from 2 submitters: Likely pathogenic (2). Last evaluated 2026-08-28.

Conditions:
Autosomal recessive limb-girdle muscular dystrophy type 2J (LGMDR10). Also called: Limb-girdle muscular dystrophy, type 2J; MUSCULAR DYSTROPHY, LIMB-GIRDLE, AUTOSOMAL RECESSIVE 10. Identifiers: Orphanet 140922, MedGen C1837342, MONDO:0012127, OMIM 608807.
Dilated cardiomyopathy 1G (CMD1G). Identifiers: Orphanet 154, MedGen C1858763, MONDO:0011400, OMIM 604145.
Cardiovascular phenotype. Identifiers: MedGen CN230736.

Allele frequency attached by ClinVar (database versions not stated): TOPMed 0.00001.

Submissions (2):

Ambry Genetics
Classification: Likely pathogenic for Cardiovascular phenotype. Last evaluated: 2026-08-28. Review status: criteria provided, single submitter. Criteria: Ambry Variant Classification Scheme 2023. Collection method: clinical testing. Allele origin: germline.
Comment: The p.Y21000* variant (also known as c.63000T>A), located in coding exon 162 of the TTN gene, results from a T to A substitution at nucleotide position 63000. This changes the amino acid from a tyrosine to a stop codon within coding exon 162. This exon is located in the A-band region of the N2-B isoform of the titin protein and is constitutively expressed in TTN transcripts (percent spliced in or PSI 100%). This variant is considered to be rare based on population cohorts in the Genome Aggregation Database (gnomAD). This variant is expected to result in loss of function by premature protein truncation or nonsense-mediated mRNA decay. While truncating variants in TTN are present in 1-3% of the general population, truncating variants in the A-band are the most common cause of dilated cardiomyopathy (Herman DS et al. N. Engl. J. Med., 2012 Feb;366:619-28; Roberts AM et al. Sci Transl Med, 2015 Jan;7:270ra6). TTN truncating variants encoded in constitutive exons (PSI >90%) have been found to be significantly associated with DCM regardless of their position in titin (Schafer S et al. Nat. Genet., 2017 01;49:46-53; Akhtar MM et al. Circ Heart Fail, 2020 Oct;13:e006832; Massier M et al. Clin Genet, 2025 Jan). Based on the majority of available evidence to date, this variant is likely to be pathogenic.

Labcorp Genetics (formerly Invitae), Labcorp
Classification: Likely pathogenic for Dilated cardiomyopathy 1G; Autosomal recessive limb-girdle muscular dystrophy type 2J. Last evaluated: 2017-12-09. Review status: criteria provided, single submitter. Criteria: Invitae Variant Classification Sherloc (09022015). Collection method: clinical testing. Allele origin: germline.
Comment: This variant has not been reported in the literature in individuals with TTN-related disease. In summary, the currently available evidence indicates that the variant is pathogenic, but additional data are needed to prove that conclusively. Therefore, this variant has been classified as Likely Pathogenic. This variant is found in the A-band of this gene. While this particular variant has not been reported in the literature, truncating variants in the A-band of TTN are significantly overrepresented in patients with dilated cardiomyopathy and are considered to be likely pathogenic for the disease (PMID: 25589632). Truncating variants in TTN have also been reported in individuals affected with autosomal recessive centronuclear myopathy (PMID: 23975875). This variant is not present in population databases (ExAC no frequency). This sequence change results in a premature translational stop signal in the TTN gene (p.Tyr30065*). While this is not anticipated to result in nonsense mediated decay, it is expected to create a truncated TTN protein.

Literature cited by the submitters: PubMed 25589632 (cited by Labcorp Genetics (formerly Invitae), Labcorp); PubMed 23975875 (cited by Labcorp Genetics (formerly Invitae), Labcorp).

NM_001267550.2(TTN):c.90195T>A (p.Tyr30065Ter)

Genes: TTN (titin; minus strand), TTN-AS1 (TTN antisense RNA 1; plus strand). Cytogenetic location: 2q31.2.
Variant type: single nucleotide variant.
Coding change: c.90195T>A on transcript NM_001267550.2 (MANE Select); coding-DNA position 90195, T replaced by A.
Protein change: p.Tyr30065Ter; replaces tyrosine 30065 with a stop codon.
Molecular consequence: nonsense.
Genome position (GRCh38, 1-based): chr2:178,552,705, A>T on the plus strand (T>A on the coding strand, the complement: TTN is on the minus strand). VCF-style: chr2-178552705-A-T. GRCh37 (hg19) VCF-style: chr2-179417432-A-T.
Other names: c.85272T>A, p.Tyr28424Ter (NM_001256850.1); c.63000T>A, p.Tyr21000Ter (NM_003319.4); c.82491T>A, p.Tyr27497Ter (NM_133378.4); c.63375T>A, p.Tyr21125Ter (NM_133432.3); c.63576T>A, p.Tyr21192Ter (NM_133437.4); short protein forms Y30065*, Y27497*, Y21000*, Y21125*, Y21192*, Y28424*.
Identifiers: ClinVar variation 581908 (VCV000581908.10), dbSNP rs920201335, ClinGen allele CA60977857.